The following is an entry in ClinVar:

NM_004104.5(FASN):c.2930C>G (p.Pro977Arg)

Gene: FASN (fatty acid synthase; minus strand). Cytogenetic location: 17q25.3.
Variant type: single nucleotide variant.
Coding change: c.2930C>G on transcript NM_004104.5 (MANE Select); coding-DNA position 2930, C replaced by G.
Protein change: p.Pro977Arg; replaces proline 977 with arginine.
Molecular consequence: missense variant.
Genome position (GRCh38, 1-based): chr17:82,087,798, G>C on the plus strand (C>G on the coding strand, the complement: FASN is on the minus strand). VCF-style: chr17-82087798-G-C. GRCh37 (hg19) VCF-style: chr17-80045674-G-C.
Other names: short protein forms P977R.
Identifiers: ClinVar variation 998536 (VCV000998536.7), dbSNP rs370507537, ClinGen allele CA401555448.
Genomic context (GRCh38, chr17:82,087,798, plus strand): 5'-CGCAGACGCAGCTCCTTGTAAACTTCAGCCTGGGCCAGGAAGAGGGGCTCCGTGGGGTTG[G>C]GGGTGGGGCTTTCCGGGTGGTCGAAGAGCCTGGGGTCAGGGTCATCCCACTGGTACACCT-3'
Protein context (NP_004095.4, residues 967-987): RLFDHPESPT[Pro977Arg]NPTEPLFLAQ

ClinVar aggregate classification (germline): Uncertain significance (1 of 4 stars; one submission).

Conditions:
Epileptic encephalopathy. Identifiers: MedGen C0543888, HP:0200134.

gnomAD v4.1: 5 of 1,612,644 alleles (0.00031%); highest among the groups gnomAD compares: Non-Finnish European, 0.000085%; no homozygotes.

Submission:

Labcorp Genetics (formerly Invitae), Labcorp
Classification: Uncertain significance for Epileptic encephalopathy. Last evaluated: 2025-06-11. Review status: criteria provided, single submitter. Criteria: Invitae Variant Classification Sherloc (09022015). Collection method: clinical testing. Allele origin: germline.
Comment: This sequence change replaces proline, which is neutral and non-polar, with arginine, which is basic and polar, at codon 977 of the FASN protein (p.Pro977Arg). This variant is not present in population databases (gnomAD no frequency). This variant has not been reported in the literature in individuals affected with FASN-related conditions. ClinVar contains an entry for this variant (Variation ID: 998536). An algorithm developed to predict the effect of missense changes on protein structure and function (PolyPhen-2) suggests that this variant is likely to be tolerated. In summary, the available evidence is currently insufficient to determine the role of this variant in disease. Therefore, it has been classified as a Variant of Uncertain Significance.